The following is an entry in ClinVar:

NM_001018005.2(TPM1):c.830C>T (p.Ala277Val)

Gene: TPM1 (tropomyosin 1; plus strand). Cytogenetic location: 15q22.2.
Variant type: single nucleotide variant.
Coding change: c.830C>T on transcript NM_001018005.2 (MANE Select); coding-DNA position 830, C replaced by T.
Protein change: p.Ala277Val; replaces alanine 277 with valine.
Molecular consequence: missense variant. On other transcripts: intron variant (12).
Genome position (GRCh38, 1-based): chr15:63,064,121, C>T. VCF-style: chr15-63064121-C-T. GRCh37 (hg19) VCF-style: chr15-63356320-C-T.
Other names: c.830C>T, p.Ala277Val (NM_000366.6, NM_001301244.2, NM_001365779.1); c.722C>T, p.Ala241Val (NM_001330346.2, NM_001365781.2, NM_001365782.1); c.898+1476C>T (NM_001365778.1); c.772+1476C>T (NM_001018020.2, NM_001018007.2, NM_001018006.2 and 3 more transcripts); c.664+1476C>T (NM_001330351.2, NM_001330344.2, NM_001018008.2 and 2 more transcripts); short protein forms A277V, A241V.
Identifiers: ClinVar variation 31896 (VCV000031896.8), dbSNP rs199476320, ClinGen allele CA018499.

ClinVar aggregate classification (germline): Uncertain significance. Review status: criteria provided, single submitter (1 of 4 stars). 2 submissions from 2 submitters: Uncertain significance (1). 1 of the submissions does not count toward it. Last evaluated 2021-09-17.

Conditions:
Hypertrophic cardiomyopathy. Also called: HYPERTROPHIC MYOCARDIOPATHY. Identifiers: Orphanet 217569, MedGen C0007194, MeSH D002312, MONDO:0005045, HP:0001639.

Submissions (2):

Labcorp Genetics (formerly Invitae), Labcorp
Classification: Uncertain significance for Hypertrophic cardiomyopathy. Last evaluated: 2021-09-17. Review status: criteria provided, single submitter. Criteria: Invitae Variant Classification Sherloc (09022015). Collection method: clinical testing. Allele origin: germline.
Comment: Algorithms developed to predict the effect of missense changes on protein structure and function (SIFT, PolyPhen-2, Align-GVGD) all suggest that this variant is likely to be tolerated. In summary, the available evidence is currently insufficient to determine the role of this variant in disease. Therefore, it has been classified as a Variant of Uncertain Significance. ClinVar contains an entry for this variant (Variation ID: 31896). This sequence change replaces alanine with valine at codon 277 of the TPM1 protein (p.Ala277Val). The alanine residue is weakly conserved and there is a small physicochemical difference between alanine and valine. This variant is not present in population databases (ExAC no frequency). This missense change has been observed in individual(s) with dilated cardiomyopathy (PMID: 20215591; Invitae).

Leiden Muscular Dystrophy (TPM1)
No classification provided. Last evaluated: 2012-04-15. Review status: no classification provided. Collection method: curation. Allele origin: germline. Not counted in ClinVar's aggregate classification.

Literature cited by the submitters: PubMed 20215591 (cited by Labcorp Genetics (formerly Invitae), Labcorp).